The following is an entry in ClinVar:

ClinVar aggregate classification (germline): Uncertain significance. Review status: criteria provided, multiple submitters, no conflicts (2 of 4 stars). 2 submissions from 2 submitters: Uncertain significance (2). Last evaluated 2025-08-09.

Conditions:
RYR1-related disorder. Also called: RYR1-related condition; RYR1-related disorders. Identifiers: MedGen CN239331.
Inborn genetic diseases. Identifiers: MedGen C0950123, MeSH D030342.

Allele frequency attached by ClinVar (database versions not stated): gnomAD exomes below 0.00001; ExAC 0.00001; gnomAD 0.00001; TOPMed 0.00001.
gnomAD v4.1: 8 of 1,613,072 alleles (0.0005%); highest among the groups gnomAD compares: African/African-American, 0.0013%; no homozygotes.

Submissions (2):

Ambry Genetics
Classification: Uncertain significance for Inborn genetic diseases. Last evaluated: 2025-08-09. Review status: criteria provided, single submitter. Criteria: Ambry Variant Classification Scheme 2023. Collection method: clinical testing. Allele origin: germline.

Labcorp Genetics (formerly Invitae), Labcorp
Classification: Uncertain significance for RYR1-related disorder. Last evaluated: 2022-02-22. Review status: criteria provided, single submitter. Criteria: Invitae Variant Classification Sherloc (09022015). Collection method: clinical testing. Allele origin: germline.
Comment: This sequence change replaces arginine, which is basic and polar, with histidine, which is basic and polar, at codon 1827 of the RYR1 protein (p.Arg1827His). This variant is present in population databases (rs769949286, gnomAD 0.004%). This variant has not been reported in the literature in individuals affected with RYR1-related conditions. Advanced modeling of protein sequence and biophysical properties (such as structural, functional, and spatial information, amino acid conservation, physicochemical variation, residue mobility, and thermodynamic stability) performed at Invitae indicates that this missense variant is expected to disrupt RYR1 protein function. In summary, the available evidence is currently insufficient to determine the role of this variant in disease. Therefore, it has been classified as a Variant of Uncertain Significance.

NM_000540.3(RYR1):c.5480G>A (p.Arg1827His)

Gene: RYR1 (ryanodine receptor 1; plus strand). Cytogenetic location: 19q13.2.
Variant type: single nucleotide variant.
Coding change: c.5480G>A on transcript NM_000540.3 (MANE Select); coding-DNA position 5480, G replaced by A.
Protein change: p.Arg1827His; replaces arginine 1827 with histidine.
Molecular consequence: missense variant.
Genome position (GRCh38, 1-based): chr19:38,486,135, G>A. VCF-style: chr19-38486135-G-A. GRCh37 (hg19) VCF-style: chr19-38976775-G-A.
Other names: c.5480G>A, p.Arg1827His (NM_001042723.2); short protein forms R1827H.
Identifiers: ClinVar variation 1901089 (VCV001901089.3), dbSNP rs769949286, ClinGen allele CA067162.
Genomic context (GRCh38, chr19:38,486,135, plus strand): 5'-TGCGGGACAAGGCACTGAGGATGCTGGGGGAGGCGGTGCGCGACGGTGGGCAGCACGCTC[G>A]CGACCCCGTCGGGGGCTCCGTGGAGTTCCAGTTTGTGCCTGTGCTCAAGCTCGTGTCCAC-3'
Protein context (NP_000531.2, residues 1817-1837): EAVRDGGQHA[Arg1827His]DPVGGSVEFQ